The following is an entry in ClinVar:

ClinVar aggregate classification (germline): Conflicting classifications of pathogenicity. Review status: criteria provided, conflicting classifications (1 of 4 stars). 4 submissions from 4 submitters: Pathogenic (1); Likely pathogenic (1); Uncertain significance (2). Last evaluated 2026-04-02.

Conditions:
Renal cyst. Also called: Cystic kidney disease; cystic kidneys; Renal cysts. Identifiers: MedGen C3887499, MONDO:0002473, HP:0000107.
PKD1-related disorder. Also called: PKD1-related condition.
Polycystic kidney disease, adult type (PKD1). Also called: Polycystic Kidney, Autosomal Dominant; POLYCYSTIC KIDNEY DISEASE, ADULT, TYPE I; Polycystic Kidney Disease 1, Autosomal Dominant; Polycystic kidney disease 1; Polycystic kidney disease 1, severe; POLYCYSTIC KIDNEY DISEASE 1 WITH OR WITHOUT POLYCYSTIC LIVER DISEASE. Identifiers: MedGen C3149841, MONDO:0008263, OMIM 173900.

gnomAD v4.1: 1 of 1,610,110 alleles (0.000062%); no homozygotes.

Submissions (4):

GeneDx
Classification: Uncertain significance. Last evaluated: 2026-04-02. Review status: criteria provided, single submitter. Criteria: GeneDx Variant Classification Process June 2021. Collection method: clinical testing. Allele origin: germline.
Comment: Not observed at significant frequency in large population cohorts (gnomAD); In silico analysis supports that this missense variant has a deleterious effect on protein structure/function; This variant is associated with the following publications: (PMID: 33168999)

Blueprint Genetics
Classification: Pathogenic for PKD1-related disorders. Last evaluated: 2024-10-02. Review status: criteria provided, single submitter. Criteria: ACMG Guidelines, 2015. Collection method: clinical testing. Allele origin: germline. Affected: yes. Observed: 5 variant alleles.

Department of Pathology and Laboratory Medicine, Sinai Health System
Classification: Uncertain significance for Polycystic kidney disease, adult type. Last evaluated: 2023-03-28. Review status: criteria provided, single submitter. Criteria: ACMG Guidelines, 2015. Collection method: clinical testing. Allele origin: germline.

Cambridge Genomics Laboratory, East Genomic Laboratory Hub, NHS Genomic Medicine Service
Classification: Likely pathogenic for Renal cyst. Last evaluated: 2019-09-13. Review status: criteria provided, single submitter. Criteria: ACGS Best Practice Guidelines for Variant Classification in Rare Disease 2020. Collection method: clinical testing. Allele origin: germline. Affected: yes. Observed: 1 variant allele.

Literature cited by the submitters: PubMed 33168999 (cited by Department of Pathology and Laboratory Medicine, Sinai Health System).

NM_001009944.3(PKD1):c.7547G>A (p.Arg2516His)

Gene: PKD1 (polycystin 1, transient receptor potential channel interacting; minus strand). Cytogenetic location: 16p13.3.
Variant type: single nucleotide variant.
Coding change: c.7547G>A on transcript NM_001009944.3 (MANE Select); coding-DNA position 7547, G replaced by A.
Protein change: p.Arg2516His; replaces arginine 2516 with histidine.
Molecular consequence: missense variant.
Genome position (GRCh38, 1-based): chr16:2,106,247, C>T on the plus strand (G>A on the coding strand, the complement: PKD1 is on the minus strand). VCF-style: chr16-2106247-C-T. GRCh37 (hg19) VCF-style: chr16-2156248-C-T.
Other names: c.7547G>A, p.Arg2516His (NM_000296.4); short protein forms R2516H.
Identifiers: ClinVar variation 3892035 (VCV003892035.4).